The following is an entry in ClinVar:

NM_000525.4(KCNJ11):c.310G>A (p.Glu104Lys)

Gene: KCNJ11 (potassium inwardly rectifying channel subfamily J member 11; minus strand). Cytogenetic location: 11p15.1.
Variant type: single nucleotide variant.
Coding change: c.310G>A on transcript NM_000525.4 (MANE Select); coding-DNA position 310, G replaced by A.
Protein change: p.Glu104Lys; replaces glutamic acid 104 with lysine.
Molecular consequence: missense variant.
Genome position (GRCh38, 1-based): chr11:17,387,782, C>T on the plus strand (G>A on the coding strand, the complement: KCNJ11 is on the minus strand). VCF-style: chr11-17387782-C-T. GRCh37 (hg19) VCF-style: chr11-17409329-C-T.
Other names: c.310G>A (NM_000525.3); c.49G>A, p.Glu17Lys (NM_001166290.2, NM_001377296.1, NM_001377297.1); short protein forms E104K, E17K.
Identifiers: ClinVar variation 2641643 (VCV002641643.25), dbSNP rs145429555, ClinGen allele CA5902303.

ClinVar aggregate classification (germline): Uncertain significance. Review status: criteria provided, multiple submitters, no conflicts (2 of 4 stars). 2 submissions from 2 submitters: Uncertain significance (2). Last evaluated 2025-06-24.

Allele frequency attached by ClinVar (database versions not stated): gnomAD exomes 0.00002; ExAC 0.00003; gnomAD 0.00003; ESP Exome Variant Server 0.00008.
gnomAD v4.1: 37 of 1,613,988 alleles (0.0023%); highest among the groups gnomAD compares: Admixed American, 0.005%; no homozygotes.

Submissions (2):

GeneDx
Classification: Uncertain significance. Last evaluated: 2025-06-24. Review status: criteria provided, single submitter. Criteria: GeneDx Variant Classification Process June 2021. Collection method: clinical testing. Allele origin: germline. Affected: yes.
Comment: In silico analysis suggests that this missense variant does not alter protein structure/function; Has not been previously published as pathogenic or benign to our knowledge

CeGaT Center for Human Genetics Tuebingen
Classification: Uncertain significance. Last evaluated: 2023-06-01. Review status: criteria provided, single submitter. Criteria: CeGaT Center For Human Genetics Tuebingen Variant Classification Criteria Version 2. Collection method: clinical testing. Allele origin: germline. Affected: yes. Observed: 1 variant allele.